The following is an entry in ClinVar:

ClinVar aggregate classification (germline): Uncertain significance (1 of 4 stars; one submission).

Conditions:
KNL1-related disorder. Also called: KNL1-related condition.

gnomAD v4.1: 17 of 1,612,184 alleles (0.0011%); highest among the groups gnomAD compares: East Asian, 0.0022%; no homozygotes.

Submission:

PreventionGenetics, part of Exact Sciences
Classification: Uncertain significance for KNL1-related condition. Last evaluated: 2026-03-12. Review status: criteria provided, single submitter. Criteria: ACMG Guidelines, 2015. Collection method: clinical testing. Allele origin: germline.
Comment: The KNL1 c.2714C>G variant is predicted to result in the amino acid substitution p.Thr905Arg. To our knowledge, this variant has not been reported in the literature. This variant is reported in 0.0056% of alleles in individuals of East Asian descent in gnomAD. At this time, the clinical significance of this variant is uncertain due to the absence of conclusive functional and genetic evidence.

NM_144508.5(KNL1):c.2636C>G (p.Thr879Arg)

Gene: KNL1 (kinetochore scaffold 1; plus strand). Cytogenetic location: 15q15.1.
Variant type: single nucleotide variant.
Coding change: c.2636C>G on transcript NM_144508.5 (MANE Select); coding-DNA position 2636, C replaced by G.
Protein change: p.Thr879Arg; replaces threonine 879 with arginine.
Molecular consequence: missense variant.
Genome position (GRCh38, 1-based): chr15:40,622,900, C>G. VCF-style: chr15-40622900-C-G. GRCh37 (hg19) VCF-style: chr15-40915098-C-G.
Other names: c.2714C>G, p.Thr905Arg (NM_170589.5); short protein forms T879R, T905R.
Identifiers: ClinVar variation 4983944 (VCV004983944.1).